The following is an entry in ClinVar:

ClinVar aggregate classification (germline): Uncertain significance (1 of 4 stars; one submission).

Submission:

GeneDx
Classification: Uncertain significance. Last evaluated: 2025-04-28. Review status: criteria provided, single submitter. Criteria: GeneDx Variant Classification Process June 2021. Collection method: clinical testing. Allele origin: germline. Affected: yes.
Comment: Alters the last nucleotide of the exon and is predicted to damage the splice donor site but the effect on protein function is unclear; Not observed at significant frequency in large population cohorts (gnomAD); Has not been previously published as pathogenic or benign to our knowledge

NM_006828.4(ASCC3):c.5415G>A (p.Glu1805=)

Gene: ASCC3 (activating signal cointegrator 1 complex subunit 3; minus strand). Cytogenetic location: 6q16.3.
Variant type: single nucleotide variant.
Coding change: c.5415G>A on transcript NM_006828.4 (MANE Select); coding-DNA position 5415, G replaced by A.
Protein change: p.Glu1805=; no amino-acid change (glutamic acid 1805 retained).
Molecular consequence: synonymous variant.
Genome position (GRCh38, 1-based): chr6:100,589,948, C>T on the plus strand (G>A on the coding strand, the complement: ASCC3 is on the minus strand). VCF-style: chr6-100589948-C-T. GRCh37 (hg19) VCF-style: chr6-101037824-C-T.
Identifiers: ClinVar variation 4527720 (VCV004527720.1).